The following is an entry in ClinVar:

ClinVar aggregate classification (germline): Uncertain significance (1 of 4 stars; one submission).

Allele frequency attached by ClinVar (database versions not stated): gnomAD exomes below 0.00001; ExAC 0.00001; TOPMed 0.00003; ESP Exome Variant Server 0.00008.
gnomAD v4.1: 3 of 1,611,876 alleles (0.00019%); highest among the groups gnomAD compares: Admixed American, 0.0017%; no homozygotes.

Submission:

Labcorp Genetics (formerly Invitae), Labcorp
Classification: Uncertain significance. Last evaluated: 2024-09-05. Review status: criteria provided, single submitter. Criteria: Invitae Variant Classification Sherloc (09022015). Collection method: clinical testing. Allele origin: germline.
Comment: This sequence change falls in intron 47 of the COL11A1 gene. It does not directly change the encoded amino acid sequence of the COL11A1 protein. It affects a nucleotide within the consensus splice site. This variant is present in population databases (rs372709465, gnomAD 0.007%). This variant has not been reported in the literature in individuals affected with COL11A1-related conditions. ClinVar contains an entry for this variant (Variation ID: 2415876). Variants that disrupt the consensus splice site are a relatively common cause of aberrant splicing (PMID: 17576681, 9536098). Algorithms developed to predict the effect of sequence changes on RNA splicing suggest that this variant is not likely to affect RNA splicing. In summary, the available evidence is currently insufficient to determine the role of this variant in disease. Therefore, it has been classified as a Variant of Uncertain Significance.

Literature cited by the submitters: PubMed 17576681; PubMed 9536098.

NM_001854.4(COL11A1):c.3655-3C>T

Gene: COL11A1 (collagen type XI alpha 1 chain; minus strand). Cytogenetic location: 1p21.1.
Variant type: single nucleotide variant.
Coding change: c.3655-3C>T on transcript NM_001854.4 (MANE Select); 3 bases into the intron before coding-DNA position 3655, C replaced by T.
Molecular consequence: intron variant.
Genome position (GRCh38, 1-based): chr1:102,921,574, G>A on the plus strand (C>T on the coding strand, the complement: COL11A1 is on the minus strand). VCF-style: chr1-102921574-G-A. GRCh37 (hg19) VCF-style: chr1-103387130-G-A.
Other names: c.3538-3C>T (NM_001190709.2); c.3691-3C>T (NM_080629.3); c.3307-3C>T (NM_080630.4).
Identifiers: ClinVar variation 2415876 (VCV002415876.6), dbSNP rs372709465, ClinGen allele CA973902.